The following is an entry in ClinVar:

ClinVar aggregate classification (germline): Likely benign. Review status: criteria provided, multiple submitters, no conflicts (2 of 4 stars). 2 submissions from 2 submitters: Likely benign (2). Last evaluated 2023-02-21.

Conditions:
Primary ciliary dyskinesia. Also called: Ciliary dyskinesia. Identifiers: Orphanet 244, MedGen C0008780, MONDO:0016575, HP:0012265.

Allele frequency attached by ClinVar (database versions not stated): TOPMed below 0.00001.
gnomAD v4.1: 4 of 1,599,846 alleles (0.00025%); highest among the groups gnomAD compares: South Asian, 0.0011%; no homozygotes.

Submissions (2):

Labcorp Genetics (formerly Invitae), Labcorp
Classification: Likely benign for Primary ciliary dyskinesia. Last evaluated: 2023-02-21. Review status: criteria provided, single submitter. Criteria: Invitae Variant Classification Sherloc (09022015). Collection method: clinical testing. Allele origin: germline.

GeneDx
Classification: Likely benign. Last evaluated: 2018-05-22. Review status: criteria provided, single submitter. Criteria: GeneDx Variant Classification (06012015). Collection method: clinical testing. Allele origin: germline. Affected: yes.
Comment: This variant is considered likely benign or benign based on one or more of the following criteria: it is a conservative change, it occurs at a poorly conserved position in the protein, it is predicted to be benign by multiple in silico algorithms, and/or has population frequency not consistent with disease.

NM_001277115.2(DNAH11):c.4818-6A>T

Gene: DNAH11 (dynein axonemal heavy chain 11; plus strand). Cytogenetic location: 7p15.3.
Variant type: single nucleotide variant.
Coding change: c.4818-6A>T on transcript NM_001277115.2 (MANE Select); 6 bases into the intron before coding-DNA position 4818, A replaced by T.
Molecular consequence: intron variant.
Genome position (GRCh38, 1-based): chr7:21,638,933, A>T. VCF-style: chr7-21638933-A-T. GRCh37 (hg19) VCF-style: chr7-21678551-A-T.
Identifiers: ClinVar variation 668322 (VCV000668322.4), dbSNP rs764444413, ClinGen allele CA4180189.
Genomic context (GRCh38, chr7:21,638,933, plus strand): 5'-TGTTTTGCCGAAGTTTTAATGACTGAAGGGACAAGATATGCTTAAAAACATTTTTCATTC[A>T]TGTAGGCTTTCTCTTTGTGAAAAAGCTCTCGCTGAATACCTGGAAACCAAGCGCATAGCC-3'